The following is an entry in ClinVar:

ClinVar aggregate classification (germline): Conflicting classifications of pathogenicity. Review status: criteria provided, conflicting classifications (1 of 4 stars). 3 submissions from 3 submitters: Uncertain significance (1); Likely benign (2). Last evaluated 2025-09-22.

Conditions:
Familial cancer of breast. Also called: hereditary breast carcinoma; Hereditary breast cancer; BREAST CANCER, FAMILIAL. Identifiers: Orphanet 227535, MedGen C0346153, MONDO:0016419, OMIM 114480. Disease mechanism: loss of function.

Allele frequency attached by ClinVar (database versions not stated): gnomAD 0.00001.
gnomAD v4.1: 2 of 1,612,960 alleles (0.00012%); highest among the groups gnomAD compares: Admixed American, 0.0033%; no homozygotes.

Submissions (3):

Labcorp Genetics (formerly Invitae), Labcorp
Classification: Likely benign for Familial cancer of breast. Last evaluated: 2025-09-22. Review status: criteria provided, single submitter. Criteria: Invitae Variant Classification Sherloc (09022015). Collection method: clinical testing. Allele origin: germline.

Myriad Genetics, Inc.
Classification: Likely benign for Familial cancer of breast. Last evaluated: 2024-07-19. Review status: criteria provided, single submitter. Criteria: Myriad Autosomal Dominant, Autosomal Recessive and X-Linked Classification Criteria (2023). Collection method: clinical testing. Allele origin: unknown.
Comment: This variant is considered likely benign. This variant is intronic and is not expected to impact mRNA splicing.

Quest Diagnostics Nichols Institute San Juan Capistrano
Classification: Uncertain significance. Last evaluated: 2018-07-16. Review status: criteria provided, single submitter. Criteria: Quest Diagnostics criteria. Collection method: clinical testing. Allele origin: germline.

NM_000465.4(BARD1):c.364+7A>C

Gene: BARD1 (BRCA1 associated RING domain 1; minus strand). Cytogenetic location: 2q35.
Variant type: single nucleotide variant.
Coding change: c.364+7A>C on transcript NM_000465.4 (MANE Select); 7 bases into the intron after coding-DNA position 364, A replaced by C.
Molecular consequence: intron variant.
Genome position (GRCh38, 1-based): chr2:214,792,290, T>G on the plus strand (A>C on the coding strand, the complement: BARD1 is on the minus strand). VCF-style: chr2-214792290-T-G. GRCh37 (hg19) VCF-style: chr2-215657014-T-G.
Other names: c.364+7A>C (LRG_297t1, NM_001282549.2); c.158+17122A>C (NM_001282548.2); c.307+7A>C (NM_001282543.2); c.215+4771A>C (NM_001282545.2).
Identifiers: ClinVar variation 619616 (VCV000619616.14), dbSNP rs1475396127, ClinGen allele CA913189738.